The following is an entry in ClinVar:

NM_000744.7(CHRNA4):c.1131G>T (p.Lys377Asn)

Gene: CHRNA4 (cholinergic receptor nicotinic alpha 4 subunit; minus strand). Cytogenetic location: 20q13.33.
Variant type: single nucleotide variant.
Coding change: c.1131G>T on transcript NM_000744.7 (MANE Select); coding-DNA position 1131, G replaced by T.
Protein change: p.Lys377Asn; replaces lysine 377 with asparagine.
Molecular consequence: missense variant. On other transcripts: non-coding transcript variant (1).
Genome position (GRCh38, 1-based): chr20:63,350,280, C>A on the plus strand (G>T on the coding strand, the complement: CHRNA4 is on the minus strand). VCF-style: chr20-63350280-C-A. GRCh37 (hg19) VCF-style: chr20-61981632-C-A.
Other names: c.603G>T, p.Lys201Asn (NM_001256573.2); short protein forms K201N, K377N.
Identifiers: ClinVar variation 1393280 (VCV001393280.6), dbSNP rs2123471394, ClinGen allele CA409634412.

ClinVar aggregate classification (germline): Uncertain significance (1 of 4 stars; one submission).

Conditions:
Familial sleep-related hypermotor epilepsy. Also called: Autosomal Dominant Sleep-Related Hypermotor (Hyperkinetic) Epilepsy. Identifiers: Orphanet 98784, MedGen C3696898, MONDO:0000030.

Submission:

Labcorp Genetics (formerly Invitae), Labcorp
Classification: Uncertain significance. Last evaluated: 2022-08-15. Review status: criteria provided, single submitter. Criteria: Invitae Variant Classification Sherloc (09022015). Collection method: clinical testing. Allele origin: germline.
Comment: In summary, the available evidence is currently insufficient to determine the role of this variant in disease. Therefore, it has been classified as a Variant of Uncertain Significance. Algorithms developed to predict the effect of missense changes on protein structure and function are either unavailable or do not agree on the potential impact of this missense change (SIFT: "Tolerated"; PolyPhen-2: "Possibly Damaging"; Align-GVGD: "Class C0"). ClinVar contains an entry for this variant (Variation ID: 1393280). This variant has not been reported in the literature in individuals affected with CHRNA4-related conditions. This variant is not present in population databases (gnomAD no frequency). This sequence change replaces lysine, which is basic and polar, with asparagine, which is neutral and polar, at codon 377 of the CHRNA4 protein (p.Lys377Asn).